The following is an entry in ClinVar:

ClinVar aggregate classification (germline): Uncertain significance (1 of 4 stars; one submission).

Conditions:
Nemaline myopathy 2 (NEM2). Also called: Nemaline myopathy 2, autosomal recessive. Identifiers: MedGen C1850569, MONDO:0009725, OMIM 256030.

Submission:

Muscle and Diseases Team, Institut de Génétique et Biologie Moléculaire et Cellulaire
Classification: Uncertain significance for Nemaline myopathy 2. Last evaluated: 2024-03-01. Review status: criteria provided, single submitter. Criteria: ACMG Guidelines, 2015. Collection method: research. Allele origin: unknown. Affected: yes. Observed: 1 variant allele.
Comment: PM2+PM3+PP3

Literature cited by the submitters: DOI 10.1186/s13073-024-01353-0.

NM_001164508.2(NEB):c.11601+5G>A

Gene: NEB (nebulin; minus strand). Cytogenetic location: 2q23.3.
Variant type: single nucleotide variant.
Coding change: c.11601+5G>A on transcript NM_001164508.2 (MANE Select); 5 bases into the intron after coding-DNA position 11601, G replaced by A.
Molecular consequence: intron variant.
Genome position (GRCh38, 1-based): chr2:151,614,271, C>T on the plus strand (G>A on the coding strand, the complement: NEB is on the minus strand). VCF-style: chr2-151614271-C-T. GRCh37 (hg19) VCF-style: chr2-152470785-C-T.
Other names: c.10872+5G>A (NM_004543.5); c.11601+5G>A (NM_001164507.2, NM_001271208.2).
Identifiers: ClinVar variation 3233274 (VCV003233274.2), dbSNP rs2552229995.